The following is an entry in ClinVar:

ClinVar aggregate classification (germline): Uncertain significance (1 of 4 stars; one submission).

Submission:

Ambry Genetics
Classification: Uncertain significance. Last evaluated: 2023-02-16. Review status: criteria provided, single submitter. Criteria: Ambry Variant Classification Scheme 2023. Collection method: clinical testing. Allele origin: germline.
Comment: The p.Y869C variant (also known as c.2606A>G), located in coding exon 21 of the BUB1 gene, results from an A to G substitution at nucleotide position 2606. The tyrosine at codon 869 is replaced by cysteine, an amino acid with highly dissimilar properties. This amino acid position is conserved. In addition, this alteration is predicted to be tolerated by in silico analysis. Since supporting evidence is limited at this time, the clinical significance of this alteration remains unclear.

NM_004336.5(BUB1):c.2606A>G (p.Tyr869Cys)

Gene: BUB1 (BUB1 mitotic checkpoint serine/threonine kinase; minus strand). Cytogenetic location: 2q13.
Variant type: single nucleotide variant.
Coding change: c.2606A>G on transcript NM_004336.5 (MANE Select); coding-DNA position 2606, A replaced by G.
Protein change: p.Tyr869Cys; replaces tyrosine 869 with cysteine.
Molecular consequence: missense variant.
Genome position (GRCh38, 1-based): chr2:110,641,661, T>C on the plus strand (A>G on the coding strand, the complement: BUB1 is on the minus strand). VCF-style: chr2-110641661-T-C. GRCh37 (hg19) VCF-style: chr2-111399238-T-C.
Other names: c.2546A>G, p.Tyr849Cys (NM_001278616.2); c.2606A>G, p.Tyr869Cys (NM_001278617.2); short protein forms Y849C, Y869C.
Identifiers: ClinVar variation 2451273 (VCV002451273.2), dbSNP rs2104514943, ClinGen allele CA348090120.
Genomic context (GRCh38, chr2:110,641,661, plus strand): 5'-CATTTTAAATTCATGTGCTCATCATAAAAATGAATACTTACTAATAATGTTCCATAGCTG[T>C]AGAGCTCTCCTACTAATACACTGCCATTCTGGAATAAGTGGGCAGAATAGAACTTCATAA-3'
Protein context (NP_004327.1, residues 859-879): QNGSVLVGEL[Tyr869Cys]SYGTLLNAIN